The following is an entry in ClinVar:

ClinVar aggregate classification (germline): Likely pathogenic (1 of 4 stars; one submission).

Conditions:
Fetal akinesia deformation sequence 1 (FADS1). Also called: Pena-Shokeir syndrome type I; Fetal akinesia sequence. Identifiers: Orphanet 994, MedGen C1276035, MONDO:0100101, OMIM 208150, HP:0001989.
Congenital myasthenic syndrome 10. Also called: Myasthenia, limb-girdle, familial. Identifiers: Orphanet 590, MedGen C1850792, MONDO:0009690, OMIM 254300.

Allele frequency attached by ClinVar (database versions not stated): TOPMed 0.00002.

Submission:

Labcorp Genetics (formerly Invitae), Labcorp
Classification: Likely pathogenic for Congenital myasthenic syndrome 10; Fetal akinesia deformation sequence 1. Last evaluated: 2025-01-27. Review status: criteria provided, single submitter. Criteria: Invitae Variant Classification Sherloc (09022015). Collection method: clinical testing. Allele origin: germline.
Comment: This sequence change affects an acceptor splice site in intron 6 of the DOK7 gene. While this variant is not anticipated to result in nonsense mediated decay, it likely alters RNA splicing and results in a disrupted protein product. This variant is not present in population databases (gnomAD no frequency). Disruption of this splice site has been observed in individuals with congenital myasthenic syndrome (PMID: 20012313, 36099689; internal data). ClinVar contains an entry for this variant (Variation ID: 839723). Variants that disrupt the consensus splice site are a relatively common cause of aberrant splicing (PMID: 17576681, 9536098). Algorithms developed to predict the effect of sequence changes on RNA splicing suggest that this variant may disrupt the consensus splice site. In summary, the currently available evidence indicates that the variant is pathogenic, but additional data are needed to prove that conclusively. Therefore, this variant has been classified as Likely Pathogenic.

Literature cited by the submitters: PubMed 20012313; PubMed 36099689; PubMed 17576681; PubMed 9536098.

NM_173660.5(DOK7):c.773-1G>A

Gene: DOK7 (docking protein 7; plus strand). Cytogenetic location: 4p16.3.
Variant type: single nucleotide variant.
Coding change: c.773-1G>A on transcript NM_173660.5 (MANE Select); the canonical splice acceptor site of the intron before coding-DNA position 773, G replaced by A.
Molecular consequence: splice acceptor variant.
Genome position (GRCh38, 1-based): chr4:3,492,758, G>A. VCF-style: chr4-3492758-G-A. GRCh37 (hg19) VCF-style: chr4-3494485-G-A.
Other names: c.773-1G>A (NM_001301071.2); c.341-1G>A (NM_001363811.2); c.762-1G>A (NM_001164673.2); c.-158-1G>A (NM_001256896.2).
Identifiers: ClinVar variation 839723 (VCV000839723.9), dbSNP rs1268475752, ClinGen allele CA356115884.